The following is an entry in ClinVar:

ClinVar aggregate classification (germline): Uncertain significance. Review status: criteria provided, multiple submitters, no conflicts (2 of 4 stars). 2 submissions from 2 submitters: Uncertain significance (2). Last evaluated 2026-04-12.

Conditions:
Inborn genetic diseases. Identifiers: MedGen C0950123, MeSH D030342.
CIC-related disorder. Also called: CIC-related condition.

Allele frequency attached by ClinVar (database versions not stated): gnomAD exomes below 0.00001; gnomAD 0.00002; TOPMed 0.00002.
gnomAD v4.1: 8 of 1,613,442 alleles (0.0005%); highest among the groups gnomAD compares: Admixed American, 0.005%; no homozygotes.

Submissions (2):

PreventionGenetics, part of Exact Sciences
Classification: Uncertain significance for CIC-related condition. Last evaluated: 2026-04-12. Review status: criteria provided, single submitter. Criteria: ACMG Guidelines, 2015. Collection method: clinical testing. Allele origin: germline.
Comment: The CIC c.3512G>A variant is predicted to result in the amino acid substitution p.Arg1171Gln. To our knowledge, this variant has not been reported in the literature or in a large population database (gnomAD), indicating this variant is rare. At this time, the clinical significance of this variant is uncertain due to the absence of conclusive functional and genetic evidence.

Ambry Genetics
Classification: Uncertain significance for Inborn genetic diseases. Last evaluated: 2024-01-12. Review status: criteria provided, single submitter. Criteria: Ambry Variant Classification Scheme 2023. Collection method: clinical testing. Allele origin: germline.

NM_001386298.1(CIC):c.6239G>A (p.Arg2080Gln)

Gene: CIC (capicua transcriptional repressor; plus strand). Cytogenetic location: 19q13.2.
Variant type: single nucleotide variant.
Coding change: c.6239G>A on transcript NM_001386298.1 (MANE Select); coding-DNA position 6239, G replaced by A.
Protein change: p.Arg2080Gln; replaces arginine 2080 with glutamine.
Molecular consequence: missense variant.
Genome position (GRCh38, 1-based): chr19:42,292,998, G>A. VCF-style: chr19-42292998-G-A. GRCh37 (hg19) VCF-style: chr19-42797150-G-A.
Other names: c.6239G>A, p.Arg2080Gln (NM_001304815.2, NM_001379482.1, NM_001379483.1); c.6236G>A, p.Arg2079Gln (NM_001379480.1); c.3512G>A, p.Arg1171Gln (NM_001379484.1, NM_001379485.1, NM_015125.5); short protein forms R1171Q, R2080Q, R2079Q.
Identifiers: ClinVar variation 3144970 (VCV003144970.2), dbSNP rs2038253762, ClinGen allele CA406116972.
Genomic context (GRCh38, chr19:42,292,998, plus strand): 5'-CAATTTTCTCCCCACTAGCAGGTTCCATGACCTACAGCTTAGTGGCCCCCAAGGCCCAGC[G>A]GCCCAGCCCGAAGGCCCCCCAGAAAGTGAAGGCAGCCATCGCCAGCATTCCCGTGGGGTC-3'
Protein context (NP_001373227.1, residues 2070-2090): TYSLVAPKAQ[Arg2080Gln]PSPKAPQKVK